The following is an entry in ClinVar:

ClinVar aggregate classification (germline): Conflicting classifications of pathogenicity. Review status: criteria provided, conflicting classifications (1 of 4 stars). 6 submissions from 6 submitters: Uncertain significance (3); Likely benign (3). Last evaluated 2026-08-27.

Conditions:
Autosomal dominant optic atrophy classic form (OPA1). Also called: KJER-TYPE OPTIC ATROPHY; Optic Atrophy Type 1; OPTIC ATROPHY, JUVENILE. Identifiers: Orphanet 98673, MedGen C0338508, MONDO:0008134, OMIM 165500.
Inborn genetic diseases. Identifiers: MedGen C0950123, MeSH D030342.
OPA1-related disorder. Also called: OPA1-related disorders; OPA1-related condition.

Allele frequency attached by ClinVar (database versions not stated): gnomAD exomes 0.00003 and 0.00007; gnomAD 0.00004 and 0.00005; TOPMed 0.00005; ExAC 0.00008.

Submissions (6):

PreventionGenetics, part of Exact Sciences
Classification: Uncertain significance for OPA1-related condition. Last evaluated: 2026-08-27. Review status: criteria provided, single submitter. Criteria: ACMG Guidelines, 2015. Collection method: clinical testing. Allele origin: germline.
Comment: The OPA1 c.617C>T variant is predicted to result in the amino acid substitution p.Pro206Leu. This variant can also be denoted as c.563C>T (p.Pro188Leu) in transcript NM_015560. To our knowledge, this variant has not been reported in the literature. This variant is present in 0.026% of alleles in individuals of South Asian descent in gnomAD. At this time, the clinical significance of this variant is uncertain due to the absence of conclusive functional and genetic evidence.

GeneDx
Classification: Uncertain significance. Last evaluated: 2025-11-25. Review status: criteria provided, single submitter. Criteria: GeneDx Variant Classification Process June 2021. Collection method: clinical testing. Allele origin: germline. Affected: yes.
Comment: Has not been previously published as pathogenic or benign to our knowledge; In silico analysis supports that this missense variant has a deleterious effect on protein structure/function

Labcorp Genetics (formerly Invitae), Labcorp
Classification: Likely benign. Last evaluated: 2025-08-14. Review status: criteria provided, single submitter. Criteria: Invitae Variant Classification Sherloc (09022015). Collection method: clinical testing. Allele origin: germline.

Blueprint Genetics
Classification: Likely benign. Last evaluated: 2024-10-14. Review status: criteria provided, single submitter. Criteria: ACMG Guidelines, 2015. Collection method: clinical testing. Allele origin: germline.

Ambry Genetics
Classification: Uncertain significance for Inborn genetic diseases. Last evaluated: 2024-03-26. Review status: criteria provided, single submitter. Criteria: Ambry Variant Classification Scheme 2023. Collection method: clinical testing. Allele origin: germline.

Illumina Laboratory Services, Illumina
Classification: Likely benign for Autosomal dominant optic atrophy classic form. Last evaluated: 2018-01-13. Review status: criteria provided, single submitter. Criteria: ICSL Variant Classification Criteria 13 December 2019. Collection method: clinical testing. Allele origin: germline.
Comment: This variant was observed in the ICSL laboratory as part of a predisposition screen in an ostensibly healthy population. It had not been previously curated by ICSL or reported in the Human Gene Mutation Database (HGMD: prior to June 1st, 2018), and was therefore a candidate for classification through an automated scoring system. Utilizing variant allele frequency, disease prevalence and penetrance estimates, and inheritance mode, an automated score was calculated to assess if this variant is too frequent to cause the disease. Based on the score and internal cut-off values, a variant classified as likely benign is not then subjected to further curation. The score for this variant resulted in a classification of likely benign for this disease.

NM_130837.3(OPA1):c.617C>T (p.Pro206Leu)

Genes: OPA1 (OPA1 mitochondrial dynamin like GTPase; plus strand), OPA1-AS1 (OPA1 antisense RNA 1; minus strand). Cytogenetic location: 3q29.
Variant type: single nucleotide variant.
Coding change: c.617C>T on transcript NM_130837.3 (MANE Select); coding-DNA position 617, C replaced by T.
Protein change: p.Pro206Leu; replaces proline 206 with leucine.
Molecular consequence: missense variant. On other transcripts: non-coding transcript variant (1).
Genome position (GRCh38, 1-based): chr3:193,618,875, C>T. VCF-style: chr3-193618875-C-T. GRCh37 (hg19) VCF-style: chr3-193336664-C-T.
Other names: c.83C>T, p.Pro28Leu (NM_001354663.2); c.191C>T, p.Pro64Leu (NM_001354664.2); c.563C>T, p.Pro188Leu (NM_015560.3, NM_130836.3); c.455C>T, p.Pro152Leu (NM_130831.3, NM_130833.3); c.509C>T, p.Pro170Leu (NM_130832.3, NM_130835.3); c.617C>T, p.Pro206Leu (NM_130834.3); c.617C>T (NM_130837.2); short protein forms P206L, P152L, P28L, P64L, P170L, P188L.
Identifiers: ClinVar variation 900792 (VCV000900792.19), dbSNP rs772090345, ClinGen allele CA2759082.